The following is an entry in ClinVar:

ClinVar aggregate classification (germline): Benign (1 of 4 stars; one submission).

Allele frequency attached by ClinVar (database versions not stated): 1000 Genomes Project 30x 0.00234; TOPMed 0.00581; gnomAD 0.00669.

Submission:

CeGaT Center for Human Genetics Tuebingen
Classification: Benign. Last evaluated: 2023-02-01. Review status: criteria provided, single submitter. Criteria: CeGaT Center For Human Genetics Tuebingen Variant Classification Criteria Version 2. Collection method: clinical testing. Allele origin: germline. Affected: yes. Observed: 3 variant alleles.
Comment: PDE10A: BS1, BS2

NM_001385079.1(PDE10A):c.865+1075C>T

Gene: PDE10A (phosphodiesterase 10A; minus strand). Cytogenetic location: 6q27.
Variant type: single nucleotide variant.
Coding change: c.865+1075C>T on transcript NM_001385079.1 (MANE Select); 1075 bases into the intron after coding-DNA position 865, C replaced by T.
Molecular consequence: intron variant.
Genome position (GRCh38, 1-based): chr6:165,660,872, G>A on the plus strand (C>T on the coding strand, the complement: PDE10A is on the minus strand). VCF-style: chr6-165660872-G-A. GRCh37 (hg19) VCF-style: chr6-166074360-G-A.
Other names: c.67+1075C>T (NM_001130690.3); c.-92+1075C>T (NM_006661.4).
Identifiers: ClinVar variation 1879680 (VCV001879680.29), dbSNP rs531336463, ClinGen allele CA151833349.